The following is an entry in ClinVar:

ClinVar aggregate classification (germline): Uncertain significance (1 of 4 stars; one submission).

Allele frequency attached by ClinVar (database versions not stated): TOPMed below 0.00001.
gnomAD v4.1: 1 of 1,614,186 alleles (0.000062%); highest among the groups gnomAD compares: Non-Finnish European, 0.000085%; no homozygotes.

Submission:

Labcorp Genetics (formerly Invitae), Labcorp
Classification: Uncertain significance. Last evaluated: 2022-03-25. Review status: criteria provided, single submitter. Criteria: Invitae Variant Classification Sherloc (09022015). Collection method: clinical testing. Allele origin: germline.
Comment: This sequence change falls in intron 27 of the SKIV2L gene. It does not directly change the encoded amino acid sequence of the SKIV2L protein. It affects a nucleotide within the consensus splice site. This variant is not present in population databases (gnomAD no frequency). This variant has not been reported in the literature in individuals affected with SKIV2L-related conditions. Variants that disrupt the consensus splice site are a relatively common cause of aberrant splicing (PMID: 17576681, 9536098). Algorithms developed to predict the effect of sequence changes on RNA splicing suggest that this variant is not likely to affect RNA splicing. In summary, the available evidence is currently insufficient to determine the role of this variant in disease. Therefore, it has been classified as a Variant of Uncertain Significance.

Literature cited by the submitters: PubMed 17576681; PubMed 9536098.

NM_006929.5(SKIC2):c.3540+3G>A

Gene: SKIC2 (SKI2 subunit of superkiller complex; plus strand). Cytogenetic location: 6p21.33.
Variant type: single nucleotide variant.
Coding change: c.3540+3G>A on transcript NM_006929.5 (MANE Select); 3 bases into the intron after coding-DNA position 3540, G replaced by A.
Molecular consequence: intron variant.
Genome position (GRCh38, 1-based): chr6:31,969,423, G>A. VCF-style: chr6-31969423-G-A. GRCh37 (hg19) VCF-style: chr6-31937200-G-A.
Identifiers: ClinVar variation 1952833 (VCV001952833.2), dbSNP rs1773034113, ClinGen allele CA1619384346.